The following is an entry in ClinVar:

NM_017534.6(MYH2):c.3354+5G>A

Genes: MYHAS (myosin heavy chain gene cluster antisense RNA; plus strand), MYH2 (myosin heavy chain 2; minus strand). Cytogenetic location: 17p13.1.
Variant type: single nucleotide variant.
Coding change: c.3354+5G>A on transcript NM_017534.6 (MANE Select); 5 bases into the intron after coding-DNA position 3354, G replaced by A.
Molecular consequence: intron variant.
Genome position (GRCh38, 1-based): chr17:10,529,157, C>T on the plus strand (G>A on the coding strand, the complement: MYH2 is on the minus strand). VCF-style: chr17-10529157-C-T. GRCh37 (hg19) VCF-style: chr17-10432474-C-T.
Other names: c.3354+5G>A (NM_001100112.2).
Identifiers: ClinVar variation 2050097 (VCV002050097.4), dbSNP rs141397048, ClinGen allele CA8390932.

ClinVar aggregate classification (germline): Uncertain significance (1 of 4 stars; one submission).

Conditions:
Myopathy, proximal, and ophthalmoplegia (CMYO6). Also called: MYOPATHY WITH CONGENITAL JOINT CONTRACTURES, OPHTHALMOPLEGIA, AND RIMMED VACUOLES; INCLUSION BODY MYOPATHY 3, AUTOSOMAL DOMINANT; CONGENITAL MYOPATHY 6 WITH OPHTHALMOPLEGIA. Identifiers: Orphanet 363677, Orphanet 79091, MedGen C1854106, MONDO:0011577, OMIM 605637.

Allele frequency attached by ClinVar (database versions not stated): gnomAD exomes 0.00002; ExAC 0.00007; TOPMed 0.00018; ESP Exome Variant Server 0.00023; gnomAD 0.00025; 1000 Genomes Project 30x 0.00031; 1000 Genomes Project 0.00040.
gnomAD v4.1: 67 of 1,614,236 alleles (0.0042%); highest among the groups gnomAD compares: African/African-American, 0.08%; no homozygotes.

Submission:

Labcorp Genetics (formerly Invitae), Labcorp
Classification: Uncertain significance for Myopathy, proximal, and ophthalmoplegia. Last evaluated: 2025-12-09. Review status: criteria provided, single submitter. Criteria: Invitae Variant Classification Sherloc (09022015). Collection method: clinical testing. Allele origin: germline.
Comment: This sequence change falls in intron 26 of the MYH2 gene. It does not directly change the encoded amino acid sequence of the MYH2 protein. It affects a nucleotide within the consensus splice site. This variant is present in population databases (rs141397048, gnomAD 0.07%). This variant has not been reported in the literature in individuals affected with MYH2-related conditions. ClinVar contains an entry for this variant (Variation ID: 2050097). Variants that disrupt the consensus splice site are a relatively common cause of aberrant splicing (PMID: 17576681, 9536098). Algorithms developed to predict the effect of sequence changes on RNA splicing suggest that this variant may disrupt the consensus splice site. In summary, the available evidence is currently insufficient to determine the role of this variant in disease. Therefore, it has been classified as a Variant of Uncertain Significance.

Literature cited by the submitters: PubMed 17576681; PubMed 9536098.